The following is an entry in ClinVar:

NM_001348323.3(TRIP12):c.4418A>G (p.Tyr1473Cys)

Gene: TRIP12 (thyroid hormone receptor interactor 12; minus strand). Cytogenetic location: 2q36.3.
Variant type: single nucleotide variant.
Coding change: c.4418A>G on transcript NM_001348323.3 (MANE Select); coding-DNA position 4418, A replaced by G.
Protein change: p.Tyr1473Cys; replaces tyrosine 1473 with cysteine.
Molecular consequence: missense variant.
Genome position (GRCh38, 1-based): chr2:229,791,249, T>C on the plus strand (A>G on the coding strand, the complement: TRIP12 is on the minus strand). VCF-style: chr2-229791249-T-C. GRCh37 (hg19) VCF-style: chr2-230655965-T-C.
Other names: c.4337A>G, p.Tyr1446Cys (NM_001284214.2, NM_001348315.2); c.4292A>G, p.Tyr1431Cys (NM_001284215.2, NM_001348316.2); c.3383A>G, p.Tyr1128Cys (NM_001284216.2); c.4277A>G, p.Tyr1426Cys (NM_001348317.1, NM_001348318.2); c.4403A>G, p.Tyr1468Cys (NM_001348319.1, NM_001348320.2); c.4406A>G, p.Tyr1469Cys (NM_001348321.1); c.4418A>G, p.Tyr1473Cys (NM_001348322.1, NM_001348324.2, NM_001348325.2 and 2 more transcripts); c.4421A>G, p.Tyr1474Cys (NM_001348328.1, NM_001348329.2, NM_001348330.2); and 4 more; short protein forms Y1128C, Y1398C, Y1399C, Y1426C, Y1431C, Y1439C, Y1446C, Y1447C.
Identifiers: ClinVar variation 3375575 (VCV003375575.1).
Genomic context (GRCh38, chr2:229,791,249, plus strand): 5'-CTTCCTCTTTTACCACCAACACAATCTTTATTACTTTCTTCATCCTCTCTCACAGGTTTA[T>C]ACCTAAAATGACAAGACAGTATATAAACCAAATGTAGATTTTGAAACTGATACAAAGCCA-3'
Protein context (NP_001335252.1, residues 1463-1483): GIWTKTHTIW[Tyr1473Cys]KPVREDEESN

ClinVar aggregate classification (germline): Uncertain significance (1 of 4 stars; one submission).

gnomAD v4.1: 1 of 1,613,916 alleles (0.000062%); highest among the groups gnomAD compares: Non-Finnish European, 0.000085%; no homozygotes.

Submission:

GeneDx
Classification: Uncertain significance. Last evaluated: 2024-05-10. Review status: criteria provided, single submitter. Criteria: GeneDx Variant Classification Process June 2021. Collection method: clinical testing. Allele origin: germline. Affected: yes.
Comment: Not observed at significant frequency in large population cohorts (gnomAD); In silico analysis supports that this missense variant has a deleterious effect on protein structure/function; Has not been previously published as pathogenic or benign to our knowledge